The following is an entry in ClinVar:

ClinVar aggregate classification (germline): Pathogenic (1 of 4 stars; one submission).

Conditions:
EGFR-related lung cancer (EGFR). Identifiers: MedGen CN130014.

Submission:

Labcorp Genetics (formerly Invitae), Labcorp
Classification: Pathogenic for EGFR-related lung cancer. Last evaluated: 2023-03-09. Review status: criteria provided, single submitter. Criteria: Invitae Variant Classification Sherloc (09022015). Collection method: clinical testing. Allele origin: germline.
Comment: For these reasons, this variant has been classified as Pathogenic. This variant has not been reported in the literature in individuals affected with EGFR-related conditions. This variant is not present in population databases (gnomAD no frequency). This sequence change creates a premature translational stop signal (p.Ala147Profs*21) in the EGFR gene. It is expected to result in an absent or disrupted protein product. Loss-of-function variants in EGFR are known to be pathogenic (PMID: 7630400, 28726809, 29899996).

Literature cited by the submitters: PubMed 7630400; PubMed 28726809; PubMed 29899996.

NM_005228.5(EGFR):c.439del (p.Ala147fs)

Gene: EGFR (epidermal growth factor receptor; plus strand). Cytogenetic location: 7p11.2.
Variant type: Deletion.
Coding change: c.439del on transcript NM_005228.5 (MANE Select); coding-DNA position 439, one base deleted (G; older notation c.439delG).
Protein change: p.Ala147fs; shifts the reading frame from alanine 147.
Molecular consequence: frameshift variant. On other transcripts: intron variant (3).
Genome position (GRCh38, 1-based): chr7:55,146,620, G deleted. VCF-style (leftmost placement, unchanged base first): chr7-55146619-CG-C. GRCh37 (hg19) VCF-style: chr7-55214312-CG-C.
Other names: c.439del, p.Ala147fs (NM_001346898.2, NM_201282.2, NM_201283.2 and 1 more transcripts); c.280del, p.Ala94fs (NM_001346900.2); c.424+3132del (NM_001346899.2, NM_001346897.2); c.89-9210del (NM_001346941.2); short protein forms A94fs, A147fs.
Identifiers: ClinVar variation 2844629 (VCV002844629.3), dbSNP rs2535465944, ClinGen allele CA2739266426.
Genomic context (GRCh38, chr7:55,146,619, plus strand): 5'-TTAAAGGAGCTGGAAAGAGTGCTCACCGCAGTTCCATTCTCCCGCAGAAATCCTGCATGG[CG>C]CCGTGCGGTTCAGCAACAACCCTGCCCTGTGCAACGTGGAGAGCATCCAGTGGCGGGACA-3'